The following is an entry in ClinVar:

ClinVar aggregate classification (germline): Uncertain significance. Review status: criteria provided, multiple submitters, no conflicts (2 of 4 stars). 2 submissions from 2 submitters: Uncertain significance (2). Last evaluated 2025-12-20.

Conditions:
Hereditary cancer-predisposing syndrome. Also called: Hereditary Cancer Syndrome; Neoplastic Syndromes, Hereditary; Tumor predisposition; Hereditary neoplastic syndrome. Identifiers: Orphanet 140162, MedGen C0027672, MeSH D009386, MONDO:0015356.
Birt-Hogg-Dube syndrome. Also called: Birt Hogg Dubé syndrome. Identifiers: Orphanet 122, MedGen C0346010, MONDO:0800444.

Allele frequency attached by ClinVar (database versions not stated): gnomAD exomes below 0.00001 and 0.00001; TOPMed below 0.00001; gnomAD 0.00001.
gnomAD v4.1: 13 of 1,612,434 alleles (0.00081%); highest among the groups gnomAD compares: Non-Finnish European, 0.0011%; no homozygotes.

Submissions (2):

Labcorp Genetics (formerly Invitae), Labcorp
Classification: Uncertain significance for Birt-Hogg-Dube syndrome. Last evaluated: 2025-12-20. Review status: criteria provided, single submitter. Criteria: Invitae Variant Classification Sherloc (09022015). Collection method: clinical testing. Allele origin: germline.
Comment: This sequence change replaces threonine, which is neutral and polar, with serine, which is neutral and polar, at codon 282 of the FLCN protein (p.Thr282Ser). This variant is present in population databases (no rsID available, gnomAD 0.0009%). This variant has not been reported in the literature in individuals affected with FLCN-related conditions. ClinVar contains an entry for this variant (Variation ID: 230538). Invitae Evidence Modeling of protein sequence and biophysical properties (such as structural, functional, and spatial information, amino acid conservation, physicochemical variation, residue mobility, and thermodynamic stability) indicates that this missense variant is not expected to disrupt FLCN protein function with a negative predictive value of 80%. In summary, the available evidence is currently insufficient to determine the role of this variant in disease. Therefore, it has been classified as a Variant of Uncertain Significance.

Ambry Genetics
Classification: Uncertain significance for Hereditary cancer-predisposing syndrome. Last evaluated: 2024-01-29. Review status: criteria provided, single submitter. Criteria: Ambry Variant Classification Scheme 2023. Collection method: clinical testing. Allele origin: germline.
Comment: The p.T282S variant (also known as c.844A>T), located in coding exon 5 of the FLCN gene, results from an A to T substitution at nucleotide position 844. The threonine at codon 282 is replaced by serine, an amino acid with similar properties. This amino acid position is highly conserved in available vertebrate species. In addition, the in silico prediction for this alteration is inconclusive. Based on the available evidence, the clinical significance of this alteration remains unclear.

NM_144997.7(FLCN):c.844A>T (p.Thr282Ser)

Gene: FLCN (folliculin; minus strand). Cytogenetic location: 17p11.2.
Variant type: single nucleotide variant.
Coding change: c.844A>T on transcript NM_144997.7 (MANE Select); coding-DNA position 844, A replaced by T.
Protein change: p.Thr282Ser; replaces threonine 282 with serine.
Molecular consequence: missense variant.
Genome position (GRCh38, 1-based): chr17:17,221,564, T>A on the plus strand (A>T on the coding strand, the complement: FLCN is on the minus strand). VCF-style: chr17-17221564-T-A. GRCh37 (hg19) VCF-style: chr17-17124878-T-A.
Other names: c.844A>T (LRG_325t1); c.898A>T, p.Thr300Ser (NM_001353229.2); c.844A>T, p.Thr282Ser (NM_001353230.2, NM_001353231.2, NM_144606.7); short protein forms T282S, T300S.
Identifiers: ClinVar variation 230538 (VCV000230538.12), dbSNP rs876658621, ClinGen allele CA10580170.